The following is an entry in ClinVar:

NM_002225.5(IVD):c.-9A>G

Gene: IVD (isovaleryl-CoA dehydrogenase; plus strand). Cytogenetic location: 15q15.1.
Variant type: single nucleotide variant.
Coding change: c.-9A>G on transcript NM_002225.5 (MANE Select); 9 bases upstream of the start codon, A replaced by G.
Molecular consequence: 5 prime UTR variant. On other transcripts: non-coding transcript variant (1).
Genome position (GRCh38, 1-based): chr15:40,405,819, A>G. VCF-style: chr15-40405819-A-G. GRCh37 (hg19) VCF-style: chr15-40698020-A-G.
Other names: c.-9A>G (NM_001159508.3, NM_001354598.3, NM_001354599.3 and 2 more transcripts); c.-436A>G (NM_001354597.3).
Identifiers: ClinVar variation 5004910 (VCV005004910.1).
Genomic context (GRCh38, chr15:40,405,819, plus strand): 5'-GGCGAAGCCTGGATTGGTGGAGCTAAGAGCTGGCTCAGTTTCAGCGCTGGCTCTTCGTGC[A>G]TGGCAGAGATGGCGACTGCGACTCGGCTGCTGGGGTGGCGTGTGGCGAGCTGGAGGCTGC-3'

ClinVar aggregate classification (germline): Uncertain significance (1 of 4 stars; one submission).

Conditions:
Isovaleryl-CoA dehydrogenase deficiency (IVA). Also called: Isovaleric acidemia; ISOVALERIC ACID CoA DEHYDROGENASE DEFICIENCY; Classic Isovaleric Acidemia; IVD DEFICIENCY. Identifiers: Orphanet 33, MedGen C0268575, MONDO:0009475, OMIM 243500.

gnomAD v4.1: 8 of 1,610,958 alleles (0.0005%); highest among the groups gnomAD compares: East Asian, 0.0089%; no homozygotes.

Submission:

Myriad Genetics, Inc.
Classification: Uncertain significance for Isovaleryl-CoA dehydrogenase deficiency. Last evaluated: 2026-06-10. Review status: criteria provided, single submitter. Criteria: Myriad Autosomal Dominant, Autosomal Recessive and X-Linked Classification Criteria (2023). Collection method: clinical testing. Allele origin: unknown.
Comment: NM_002225.3(IVD):c.1A>G(M1?) is an initiation codon variant classified as a variant of uncertain significance in the context of isovaleric acidemia. M1? has not been observed in cases with relevant disease. Relevant functional assessments of this variant are not available in the literature. M1? has not been observed in referenced population frequency databases. In summary, there is insufficient evidence to classify NM_002225.3(IVD):c.1A>G(M1?) as pathogenic or benign. Please note: this variant was assessed in the context of healthy population screening.